The following is an entry in ClinVar:

NM_001286.5(CLCN6):c.2204G>A (p.Arg735Gln)

Gene: CLCN6 (chloride voltage-gated channel 6; plus strand). Cytogenetic location: 1p36.22.
Variant type: single nucleotide variant.
Coding change: c.2204G>A on transcript NM_001286.5 (MANE Select); coding-DNA position 2204, G replaced by A.
Protein change: p.Arg735Gln; replaces arginine 735 with glutamine.
Molecular consequence: missense variant. On other transcripts: non-coding transcript variant (1).
Genome position (GRCh38, 1-based): chr1:11,837,408, G>A. VCF-style: chr1-11837408-G-A. GRCh37 (hg19) VCF-style: chr1-11897465-G-A.
Other names: c.2138G>A, p.Arg713Gln (NM_001256959.2); c.2204G>A (NM_001286.2); short protein forms R713Q, R735Q.
Identifiers: ClinVar variation 1940205 (VCV001940205.6), dbSNP rs925525662, ClinGen allele CA18004281.

ClinVar aggregate classification (germline): Uncertain significance. Review status: criteria provided, multiple submitters, no conflicts (2 of 4 stars). 2 submissions from 2 submitters: Uncertain significance (2). Last evaluated 2023-12-28.

Allele frequency attached by ClinVar (database versions not stated): gnomAD 0.00001; gnomAD exomes 0.00001.
gnomAD v4.1: 20 of 1,614,036 alleles (0.0012%); highest among the groups gnomAD compares: Middle Eastern, 0.033%; no homozygotes.

Submissions (2):

Ambry Genetics
Classification: Uncertain significance. Last evaluated: 2023-12-28. Review status: criteria provided, single submitter. Criteria: Ambry Variant Classification Scheme 2023. Collection method: clinical testing. Allele origin: germline.

Labcorp Genetics (formerly Invitae), Labcorp
Classification: Uncertain significance. Last evaluated: 2023-05-25. Review status: criteria provided, single submitter. Criteria: Invitae Variant Classification Sherloc (09022015). Collection method: clinical testing. Allele origin: germline.
Comment: An algorithm developed to predict the effect of missense changes on protein structure and function (PolyPhen-2) suggests that this variant is likely to be tolerated. ClinVar contains an entry for this variant (Variation ID: 1940205). This variant has not been reported in the literature in individuals affected with CLCN6-related conditions. This variant is present in population databases (no rsID available, gnomAD 0.003%). This sequence change replaces arginine, which is basic and polar, with glutamine, which is neutral and polar, at codon 735 of the CLCN6 protein (p.Arg735Gln). In summary, the available evidence is currently insufficient to determine the role of this variant in disease. Therefore, it has been classified as a Variant of Uncertain Significance.